The following is an entry in ClinVar:

NM_007194.4(CHEK2):c.706C>G (p.Leu236Val)

Gene: CHEK2 (checkpoint kinase 2; minus strand). Cytogenetic location: 22q12.1.
Variant type: single nucleotide variant.
Coding change: c.706C>G on transcript NM_007194.4 (MANE Select); coding-DNA position 706, C replaced by G.
Protein change: p.Leu236Val; replaces leucine 236 with valine.
Molecular consequence: missense variant.
Genome position (GRCh38, 1-based): chr22:28,711,995, G>C on the plus strand (C>G on the coding strand, the complement: CHEK2 is on the minus strand). VCF-style: chr22-28711995-G-C. GRCh37 (hg19) VCF-style: chr22-29107983-G-C.
Other names: c.835C>G, p.Leu279Val (NM_001005735.3); c.43C>G, p.Leu15Val (NM_001257387.3); c.505C>G, p.Leu169Val (NM_001349956.3); c.706C>G, p.Leu236Val (NM_145862.3); short protein forms L236V, L15V, L279V, L169V.
Identifiers: ClinVar variation 410019 (VCV000410019.14), dbSNP rs1060502694, ClinGen allele CA16616589.

ClinVar aggregate classification (germline): Uncertain significance. Review status: criteria provided, multiple submitters, no conflicts (2 of 4 stars). 2 submissions from 2 submitters: Uncertain significance (2). Last evaluated 2024-12-02.

Conditions:
Hereditary cancer-predisposing syndrome. Also called: Tumor predisposition; Hereditary Cancer Syndrome; Hereditary neoplastic syndrome; Neoplastic Syndromes, Hereditary. Identifiers: Orphanet 140162, MedGen C0027672, MeSH D009386, MONDO:0015356.
Familial cancer of breast. Also called: BREAST CANCER, FAMILIAL; Hereditary breast cancer; hereditary breast carcinoma. Identifiers: Orphanet 227535, MedGen C0346153, MONDO:0016419, OMIM 114480. Disease mechanism: loss of function.

Allele frequency attached by ClinVar (database versions not stated): gnomAD exomes below 0.00001.
gnomAD v4.1: 1 of 1,612,912 alleles (0.000062%); highest among the groups gnomAD compares: African/African-American, 0.0013%; no homozygotes.

Submissions (2):

Labcorp Genetics (formerly Invitae), Labcorp
Classification: Uncertain significance for Familial cancer of breast. Last evaluated: 2024-12-02. Review status: criteria provided, single submitter. Criteria: Invitae Variant Classification Sherloc (09022015). Collection method: clinical testing. Allele origin: germline.
Comment: This sequence change replaces leucine, which is neutral and non-polar, with valine, which is neutral and non-polar, at codon 236 of the CHEK2 protein (p.Leu236Val). This variant is not present in population databases (gnomAD no frequency). This variant has not been reported in the literature in individuals affected with CHEK2-related conditions. ClinVar contains an entry for this variant (Variation ID: 410019). An algorithm developed to predict the effect of missense changes on protein structure and function (PolyPhen-2) suggests that this variant is likely to be disruptive. This variant disrupts the p.Leu236 amino acid residue in CHEK2. Other variant(s) that disrupt this residue have been determined to be pathogenic (PMID: 25186627, 25318351, 30851065, 31206626; internal data). This suggests that this residue is clinically significant, and that variants that disrupt this residue are likely to be disease-causing. In summary, the available evidence is currently insufficient to determine the role of this variant in disease. Therefore, it has been classified as a Variant of Uncertain Significance.

Ambry Genetics
Classification: Uncertain significance for Hereditary cancer-predisposing syndrome. Last evaluated: 2024-02-16. Review status: criteria provided, single submitter. Criteria: Ambry Variant Classification Scheme 2023. Collection method: clinical testing. Allele origin: germline.
Comment: The p.L236V variant (also known as c.706C>G), located in coding exon 5 of the CHEK2 gene, results from a C to G substitution at nucleotide position 706. The leucine at codon 236 is replaced by valine, an amino acid with highly similar properties. This amino acid position is well conserved in available vertebrate species. In addition, this alteration is predicted to be tolerated by in silico analysis. Based on the available evidence, the clinical significance of this alteration remains unclear.

Literature cited by the submitters: PubMed 25186627 (cited by Labcorp Genetics (formerly Invitae), Labcorp); PubMed 25318351 (cited by Labcorp Genetics (formerly Invitae), Labcorp); PubMed 30851065 (cited by Labcorp Genetics (formerly Invitae), Labcorp); PubMed 31206626 (cited by Labcorp Genetics (formerly Invitae), Labcorp).